The following is an entry in ClinVar:

NM_000257.4(MYH7):c.4330AAG[1] (p.Lys1445del)

Genes: MHRT (myosin heavy chain associated RNA transcript; plus strand), MYH7 (myosin heavy chain 7; minus strand). Cytogenetic location: 14q11.2.
Variant type: Microsatellite.
Coding change: c.4330AAG[1] on transcript NM_000257.4 (MANE Select); one copy of the 3-base unit AAG starting at c.4330; the reference has two copies in a row; one copy, 3 bases deleted.
Protein change: p.Lys1445del; deletes lysine 1445.
Molecular consequence: inframe deletion. On other transcripts: inframe indel (1).
Genome position (GRCh38, 1-based): chr14:23,417,521-23,417,523, CTT deleted on the plus strand (AAG on the coding strand, the reverse complement: MYH7 is on the minus strand); deleting any 3 consecutive bases within chr14:23,417,521-23,417,526 gives the same sequence; the position shown is the placement nearest the transcript's 3' end. VCF-style (leftmost placement, unchanged base first): chr14-23417520-GCTT-G. GRCh37 (hg19) VCF-style: chr14-23886729-GCTT-G.
Other names: c.4330_4332AAG[1], p.Lys1445del (NM_001407004.1); short protein forms K1445del.
Identifiers: ClinVar variation 2008725 (VCV002008725.4), dbSNP rs2502251452, ClinGen allele CA2580616569.
Genomic context (GRCh38, chr14:23,417,520, plus strand): 5'-CCCTTGCCCTGCATGCTGGCTGCGGCCCCCACCCAGGGCCCACCTTGTCGAAGTTCCTCT[GCTT>G]CTTGTCCAGGGCTGCAGCAGCAGCATTGGAGCGCTCTACGTCCACCATCAAGTCCTCGAT-3'

ClinVar aggregate classification (germline): Uncertain significance (1 of 4 stars; one submission).

Conditions:
Hypertrophic cardiomyopathy. Also called: HYPERTROPHIC MYOCARDIOPATHY. Identifiers: Orphanet 217569, MedGen C0007194, MeSH D002312, MONDO:0005045, HP:0001639.

Submission:

Labcorp Genetics (formerly Invitae), Labcorp
Classification: Uncertain significance for Hypertrophic cardiomyopathy. Last evaluated: 2022-06-20. Review status: criteria provided, single submitter. Criteria: Invitae Variant Classification Sherloc (09022015). Collection method: clinical testing. Allele origin: germline.
Comment: This variant, c.4333_4335del, results in the deletion of 1 amino acid(s) of the MYH7 protein (p.Lys1445del), but otherwise preserves the integrity of the reading frame. This variant is not present in population databases (gnomAD no frequency). This variant has not been reported in the literature in individuals affected with MYH7-related conditions. Experimental studies and prediction algorithms are not available or were not evaluated, and the functional significance of this variant is currently unknown. In summary, the available evidence is currently insufficient to determine the role of this variant in disease. Therefore, it has been classified as a Variant of Uncertain Significance.